The following is an entry in ClinVar:

ClinVar aggregate classification (germline): Uncertain significance (1 of 4 stars; one submission).

gnomAD v4.1: 1 of 1,613,584 alleles (0.000062%); highest among the groups gnomAD compares: Non-Finnish European, 0.000085%; no homozygotes.

Submission:

Labcorp Genetics (formerly Invitae), Labcorp
Classification: Uncertain significance. Last evaluated: 2022-12-31. Review status: criteria provided, single submitter. Criteria: Invitae Variant Classification Sherloc (09022015). Collection method: clinical testing. Allele origin: germline.
Comment: This sequence change replaces histidine, which is basic and polar, with leucine, which is neutral and non-polar, at codon 625 of the MICAL1 protein (p.His625Leu). This variant is not present in population databases (gnomAD no frequency). This variant has not been reported in the literature in individuals affected with MICAL1-related conditions. Algorithms developed to predict the effect of missense changes on protein structure and function are either unavailable or do not agree on the potential impact of this missense change (SIFT: "Deleterious"; PolyPhen-2: "Benign"; Align-GVGD: "Class C0"). In summary, the available evidence is currently insufficient to determine the role of this variant in disease. Therefore, it has been classified as a Variant of Uncertain Significance.

NM_022765.4(MICAL1):c.1817A>T (p.His606Leu)

Gene: MICAL1 (microtubule associated monooxygenase, calponin and LIM domain containing 1; minus strand). Cytogenetic location: 6q21.
Variant type: single nucleotide variant.
Coding change: c.1817A>T on transcript NM_022765.4 (MANE Select); coding-DNA position 1817, A replaced by T.
Protein change: p.His606Leu; replaces histidine 606 with leucine.
Molecular consequence: missense variant.
Genome position (GRCh38, 1-based): chr6:109,448,241, T>A on the plus strand (A>T on the coding strand, the complement: MICAL1 is on the minus strand). VCF-style: chr6-109448241-T-A. GRCh37 (hg19) VCF-style: chr6-109769444-T-A.
Other names: c.1559A>T, p.His520Leu (NM_001159291.2); c.1874A>T, p.His625Leu (NM_001286613.2); short protein forms H520L, H625L, H606L.
Identifiers: ClinVar variation 2987125 (VCV002987125.3), dbSNP rs959046830, ClinGen allele CA145119425.